The following is an entry in ClinVar:

NM_001330078.2(NRXN1):c.1913A>G (p.Tyr638Cys)

Gene: NRXN1 (neurexin 1; minus strand). Cytogenetic location: 2p16.3.
Variant type: single nucleotide variant.
Coding change: c.1913A>G on transcript NM_001330078.2 (MANE Select); coding-DNA position 1913, A replaced by G.
Protein change: p.Tyr638Cys; replaces tyrosine 638 with cysteine.
Molecular consequence: missense variant.
Genome position (GRCh38, 1-based): chr2:50,538,483, T>C on the plus strand (A>G on the coding strand, the complement: NRXN1 is on the minus strand). VCF-style: chr2-50538483-T-C. GRCh37 (hg19) VCF-style: chr2-50765621-T-C.
Other names: c.2033A>G, p.Tyr678Cys (NM_001135659.3); c.1889A>G, p.Tyr630Cys (NM_001330077.2, NM_001330082.2, NM_001330095.2); c.1874A>G, p.Tyr625Cys (NM_001330083.2, NM_001330084.2); c.1913A>G, p.Tyr638Cys (NM_001330085.2, NM_001330086.2, NM_004801.6); c.1829A>G, p.Tyr610Cys (NM_001330087.2, NM_001330096.2); c.1859A>G, p.Tyr620Cys (NM_001330088.2); c.1910A>G, p.Tyr637Cys (NM_001330093.2); c.1901A>G, p.Tyr634Cys (NM_001330094.2); short protein forms Y678C, Y625C, Y634C, Y610C, Y630C, Y637C, Y638C, Y620C.
Identifiers: ClinVar variation 167388 (VCV000167388.16), dbSNP rs727504051, ClinGen allele CA234424.

ClinVar aggregate classification (germline): Uncertain significance. Review status: criteria provided, multiple submitters, no conflicts (2 of 4 stars). 3 submissions from 3 submitters: Uncertain significance (3). Last evaluated 2024-08-13.

Conditions:
Pitt-Hopkins-like syndrome 2 (PTHSL2). Identifiers: Orphanet 221150, Orphanet 600663, MedGen C3280479, MONDO:0013690, OMIM 614325.

Allele frequency attached by ClinVar (database versions not stated): gnomAD exomes below 0.00001.
gnomAD v4.1: 6 of 1,613,816 alleles (0.00037%); highest among the groups gnomAD compares: African/African-American, 0.0013%; no homozygotes.

Submissions (3):

Labcorp Genetics (formerly Invitae), Labcorp
Classification: Uncertain significance for Pitt-Hopkins-like syndrome 2. Last evaluated: 2024-08-13. Review status: criteria provided, single submitter. Criteria: Invitae Variant Classification Sherloc (09022015). Collection method: clinical testing. Allele origin: germline.
Comment: This sequence change replaces tyrosine, which is neutral and polar, with cysteine, which is neutral and slightly polar, at codon 678 of the NRXN1 protein (p.Tyr678Cys). This variant is present in population databases (rs727504051, gnomAD 0.0009%). This variant has not been reported in the literature in individuals affected with NRXN1-related conditions. ClinVar contains an entry for this variant (Variation ID: 167388). An algorithm developed to predict the effect of missense changes on protein structure and function (PolyPhen-2) suggests that this variant is likely to be disruptive. In summary, the available evidence is currently insufficient to determine the role of this variant in disease. Therefore, it has been classified as a Variant of Uncertain Significance.

GeneDx
Classification: Uncertain significance. Last evaluated: 2022-02-23. Review status: criteria provided, single submitter. Criteria: GeneDx Variant Classification Process June 2021. Collection method: clinical testing. Allele origin: germline. Affected: yes.
Comment: Not observed at significant frequency in large population cohorts (gnomAD); In silico analysis supports that this missense variant has a deleterious effect on protein structure/function; Has not been previously published as pathogenic or benign to our knowledge

Eurofins Ntd Llc (ga)
Classification: Uncertain significance. Last evaluated: 2014-01-17. Review status: criteria provided, single submitter. Criteria: EGL Classification Definitions 2015. Collection method: clinical testing. Allele origin: germline. Observed: 1 variant allele, 1 heterozygote.